The following is an entry in ClinVar:

ClinVar aggregate classification (germline): Uncertain significance (1 of 4 stars; one submission).

gnomAD v4.1: 1 of 1,613,932 alleles (0.000062%); no homozygotes.

Submission:

Ambry Genetics
Classification: Uncertain significance. Last evaluated: 2022-09-21. Review status: criteria provided, single submitter. Criteria: Ambry Variant Classification Scheme 2023. Collection method: clinical testing. Allele origin: germline.
Comment: The p.A1286G variant (also known as c.3857C>G), located in coding exon 35 of the KIF1B gene, results from a C to G substitution at nucleotide position 3857. The alanine at codon 1286 is replaced by glycine, an amino acid with similar properties. This amino acid position is conserved. In addition, this alteration is predicted to be tolerated by in silico analysis. Since supporting evidence is limited at this time, the clinical significance of this alteration remains unclear.

NM_001365951.3(KIF1B):c.3995C>G (p.Ala1332Gly)

Gene: KIF1B (kinesin family member 1B; plus strand). Cytogenetic location: 1p36.22.
Variant type: single nucleotide variant.
Coding change: c.3995C>G on transcript NM_001365951.3 (MANE Select); coding-DNA position 3995, C replaced by G.
Protein change: p.Ala1332Gly; replaces alanine 1332 with glycine.
Molecular consequence: missense variant.
Genome position (GRCh38, 1-based): chr1:10,352,676, C>G. VCF-style: chr1-10352676-C-G. GRCh37 (hg19) VCF-style: chr1-10412734-C-G.
Other names: c.3995C>G, p.Ala1332Gly (NM_001365952.1); c.3857C>G, p.Ala1286Gly (NM_015074.3); short protein forms A1332G, A1286G.
Identifiers: ClinVar variation 1735564 (VCV001735564.2), dbSNP rs867551510, ClinGen allele CA338344398.